The following is an entry in ClinVar:

NM_004100.5(EYA4):c.279del (p.Met93fs)

Genes: EYA4 (EYA transcriptional coactivator and phosphatase 4; plus strand), EYA4-AS2 (EYA4 antisense RNA 2; minus strand). Cytogenetic location: 6q23.2.
Variant type: Deletion.
Coding change: c.279del on transcript NM_004100.5 (MANE Select); coding-DNA position 279, one base deleted (G; older notation c.279delG).
Protein change: p.Met93fs; shifts the reading frame from methionine 93.
Molecular consequence: frameshift variant. On other transcripts: intron variant (2).
Genome position (GRCh38, 1-based): chr6:133,456,557, G deleted. VCF-style (leftmost placement, unchanged base first): chr6-133456556-TG-T. GRCh37 (hg19) VCF-style: chr6-133777694-TG-T.
Other names: c.279del, p.Met93fs (NM_001301013.2, NM_172105.4); c.210del, p.Ser71fs (NM_001370458.1, NM_172103.4); c.209-4557del (NM_001370459.1, NM_001301012.2); short protein forms M93fs, S71fs.
Identifiers: ClinVar variation 3511153 (VCV003511153.1).

ClinVar aggregate classification (germline): Pathogenic (1 of 4 stars; one submission).

Conditions:
Cardiovascular phenotype. Identifiers: MedGen CN230736.

Submission:

Ambry Genetics
Classification: Pathogenic for Cardiovascular phenotype. Last evaluated: 2024-11-22. Review status: criteria provided, single submitter. Criteria: Ambry Variant Classification Scheme 2023. Collection method: clinical testing. Allele origin: germline.
Comment: The c.279delG pathogenic mutation, located in coding exon 5 of the EYA4 gene, results from a deletion of one nucleotide at nucleotide position 279, causing a translational frameshift with a predicted alternate stop codon (p.M93Ifs*11). This alteration is expected to result in loss of function by premature protein truncation or nonsense-mediated mRNA decay. This variant is considered to be rare based on population cohorts in the Genome Aggregation Database (gnomAD). Based on the supporting evidence, this alteration is pathogenic for EYA4-related non-syndromic hearing loss; however, the association of this alteration with cardiomyopathy is unknown.